The following continues an entry in ClinVar:

NM_000500.9(CYP21A2):c.844G>T (p.Val282Leu)

ClinVar aggregate classification (germline): Pathogenic/Likely pathogenic. Pathogenic (31); Likely pathogenic (2).

Submissions 39 to 43 of 43:

OMIM
Classification: Pathogenic for ADENOMA, CORTISOL-PRODUCING. Last evaluated: 1998-07-01. Review status: no assertion criteria provided. Collection method: literature only. Allele origin: germline. Not counted in ClinVar's aggregate classification.

OMIM
Classification: Pathogenic for CARCINOMA, ADRENOCORTICAL, ANDROGEN-SECRETING. Last evaluated: 1998-07-01. Review status: no assertion criteria provided. Collection method: literature only. Allele origin: germline. Not counted in ClinVar's aggregate classification.

GeneReviews
No classification provided. Condition: 21-Hydroxylase-Deficient Congenital Adrenal Hyperplasia. Review status: no classification provided. Collection method: literature only. Allele origin: unknown. Not counted in ClinVar's aggregate classification.

Joint Genome Diagnostic Labs from Nijmegen and Maastricht, Radboudumc and MUMC+
Classification: Pathogenic. Review status: no assertion criteria provided. Collection method: clinical testing. Allele origin: germline. Affected: yes. Study: VKGL Data-share Consensus. Not counted in ClinVar's aggregate classification.

Laboratory of Diagnostic Genome Analysis, Leiden University Medical Center (LUMC)
Classification: Pathogenic. Review status: no assertion criteria provided. Collection method: clinical testing. Allele origin: germline. Affected: yes. Study: VKGL Data-share Consensus. Not counted in ClinVar's aggregate classification.

Literature cited by the submitters: PubMed 10720040 (cited by 3billion and Rady Children's Institute for Genomic Medicine, Rady Children's Hospital San Diego); PubMed 20661889 (cited by 7 submitters); PubMed 21609351 (cited by 4 submitters); PubMed 3260007 (cited by 7 submitters); PubMed 1864962 (cited by 6 submitters); PubMed 2249999 (cited by 6 submitters); PubMed 7749410 (cited by 4 submitters); PubMed 23359698 (cited by 11 submitters); PubMed 23359706 (cited by 4 submitters); PubMed 24953648 (cited by 5 submitters); PubMed 26804566 (cited by 6 submitters); PubMed 28819757 (cited by Rady Children's Institute for Genomic Medicine, Rady Children's Hospital San Diego); PubMed 31344365 (cited by 4 submitters); PubMed 34355878 (cited by Rady Children's Institute for Genomic Medicine, Rady Children's Hospital San Diego and AiLife Diagnostics); PubMed 25041270 (cited by 3 submitters); PubMed 28161392 (cited by Ambry Genetics); PubMed 1644925 (cited by 4 submitters); PubMed 33604243 (cited by 3 submitters); PubMed 31586465 (cited by 3 submitters); PubMed 31446012 (cited by 3 submitters); PubMed 30968594 (cited by 4 submitters); PubMed 29412390 (cited by 3 submitters); PubMed 20926536 (cited by 3 submitters); PubMed 7635470 (cited by 4 submitters); PubMed 29525066 (cited by AiLife Diagnostics); PubMed 30609409 (cited by AiLife Diagnostics); PubMed 10908170 (cited by AiLife Diagnostics); PubMed 14513879 (cited by AiLife Diagnostics and Myriad Genetics, Inc.); PubMed 31605362 (cited by AiLife Diagnostics); PubMed 28644547 (cited by AiLife Diagnostics); PubMed 21646730 (cited by AiLife Diagnostics); PubMed 12038604 (cited by AiLife Diagnostics); PubMed 31980526 (cited by AiLife Diagnostics); PubMed 10408786 (cited by AiLife Diagnostics); PubMed 25538881 (cited by AiLife Diagnostics); PubMed 30656636 (cited by AiLife Diagnostics); PubMed 30487145 (cited by AiLife Diagnostics); PubMed 25481255 (cited by AiLife Diagnostics); PubMed 32714392 (cited by AiLife Diagnostics); PubMed 27785393 (cited by AiLife Diagnostics); PubMed 31159521 (cited by AiLife Diagnostics); PubMed 20301350 (cited by Dasa and GeneReviews); PubMed 2788081 (cited by Dasa and OMIM); PubMed 1496017 (cited by Dasa and OMIM); PubMed 1985465 (cited by Dasa and OMIM); PubMed 9661649 (cited by Dasa and OMIM); PubMed 8081391 (cited by Dasa and OMIM); PubMed 25356970 (cited by Dasa); PubMed 29996815 (cited by Dasa); PubMed 26206692 (cited by Dasa); PubMed 27041116 (cited by Dasa); PubMed 10857554 (cited by Women's Health and Genetics/Laboratory Corporation of America, LabCorp); PubMed 32442933 (cited by Women's Health and Genetics/Laboratory Corporation of America, LabCorp); NCBI Bookshelf NBK1171 (cited by GeneReviews).